The following is an entry in ClinVar:

NM_020975.6(RET):c.2502C>T (p.Asn834=)

Gene: RET (ret proto-oncogene; plus strand). Cytogenetic location: 10q11.21.
Variant type: single nucleotide variant.
Coding change: c.2502C>T on transcript NM_020975.6 (MANE Select); coding-DNA position 2502, C replaced by T.
Protein change: p.Asn834=; no amino-acid change (asparagine 834 retained).
Molecular consequence: synonymous variant.
Genome position (GRCh38, 1-based): chr10:43,119,640, C>T. VCF-style: chr10-43119640-C-T. GRCh37 (hg19) VCF-style: chr10-43615088-C-T.
Other names: c.2502C>T, p.Asn834= (NM_000323.2, NM_001406743.1, NM_001406744.1 and 4 more transcripts); c.1740C>T, p.Asn580= (NM_001355216.2); c.2373C>T, p.Asn791= (NM_001406761.1, NM_001406762.1, NM_001406764.1); c.2367C>T, p.Asn789= (NM_001406763.1, NM_001406765.1); c.2214C>T, p.Asn738= (NM_001406766.1, NM_001406767.1, NM_001406770.1); c.2238C>T, p.Asn746= (NM_001406768.1); c.2106C>T, p.Asn702= (NM_001406769.1, NM_001406772.1); c.2064C>T, p.Asn688= (NM_001406771.1, NM_001406773.1); and 10 more.
Identifiers: ClinVar variation 543775 (VCV000543775.12), dbSNP rs1554819542, ClinGen allele CA469480065.

ClinVar aggregate classification (germline): Benign/Likely benign. Review status: criteria provided, multiple submitters, no conflicts (2 of 4 stars). 3 submissions from 3 submitters: Benign (1); Likely benign (2). Last evaluated 2025-06-28.

Conditions:
Hereditary cancer-predisposing syndrome. Also called: Neoplastic Syndromes, Hereditary; Hereditary Cancer Syndrome; Tumor predisposition; Hereditary neoplastic syndrome. Identifiers: Orphanet 140162, MedGen C0027672, MeSH D009386, MONDO:0015356.
Multiple endocrine neoplasia type 2A. Also called: MULTIPLE ENDOCRINE NEOPLASIA, TYPE IIA; PTC SYNDROME; SIPPLE SYNDROME; MEN 2A; MEN-2A syndrome; Pheochromocytoma and amyloid producing medullary thyroid carcinoma. Identifiers: Orphanet 247698, Orphanet 653, MedGen C0025268, MeSH D018813, MONDO:0008234, OMIM 171400.
Multiple endocrine neoplasia, type 2 (MEN2). Identifiers: Orphanet 653, MedGen C4048306, MONDO:0019003. Disease mechanism: gain of function.

Allele frequency attached by ClinVar (database versions not stated): gnomAD exomes below 0.00001.
gnomAD v4.1: 1 of 1,613,180 alleles (0.000062%); highest among the groups gnomAD compares: Non-Finnish European, 0.000085%; no homozygotes.

Submissions (3):

Ambry Genetics
Classification: Likely benign for Hereditary cancer-predisposing syndrome. Last evaluated: 2025-06-28. Review status: criteria provided, single submitter. Criteria: Ambry Variant Classification Scheme 2023. Collection method: clinical testing. Allele origin: germline.

Myriad Genetics, Inc.
Classification: Benign for Multiple endocrine neoplasia type 2A. Last evaluated: 2025-02-27. Review status: criteria provided, single submitter. Criteria: Myriad Autosomal Dominant, Autosomal Recessive and X-Linked Classification Criteria (2023). Collection method: clinical testing. Allele origin: unknown.
Comment: This variant is considered benign. This variant is a silent/synonymous amino acid change and it is not expected to impact splicing.

Labcorp Genetics (formerly Invitae), Labcorp
Classification: Likely benign for Multiple endocrine neoplasia, type 2. Last evaluated: 2024-07-20. Review status: criteria provided, single submitter. Criteria: Invitae Variant Classification Sherloc (09022015). Collection method: clinical testing. Allele origin: germline.